The following is an entry in ClinVar:

ClinVar aggregate classification (germline): Uncertain significance (1 of 4 stars; one submission).

Submission:

Labcorp Genetics (formerly Invitae), Labcorp
Classification: Uncertain significance. Last evaluated: 2025-12-20. Review status: criteria provided, single submitter. Criteria: Invitae Variant Classification Sherloc (09022015). Collection method: clinical testing. Allele origin: germline.
Comment: This variant, c.201_209del, results in the deletion of 3 amino acid(s) of the HOXD13 protein (p.Ala69_Ala71del), but otherwise preserves the integrity of the reading frame. The frequency data for this variant in the population databases is considered unreliable, as metrics indicate poor data quality at this position in the gnomAD database. This variant has been observed in individual(s) with synpolydactyly (PMID: 37427568). In summary, the available evidence is currently insufficient to determine the role of this variant in disease. Therefore, it has been classified as a Variant of Uncertain Significance.

Literature cited by the submitters: PubMed 37427568.

NM_000523.4(HOXD13):c.195GGC[2] (p.Ala69_Ala71del)

Gene: HOXD13 (homeobox D13; plus strand). Cytogenetic location: 2q31.1.
Variant type: Microsatellite.
Coding change: c.195GGC[2] on transcript NM_000523.4 (MANE Select); two copies in a row of the 3-base unit GGC starting at c.195; the reference has five copies in a row; three copies, 9 bases deleted.
Protein change: p.Ala69_Ala71del.
Molecular consequence: inframe deletion.
Genome position (GRCh38, 1-based): chr2:176,093,091-176,093,099, GGCGGCGGC deleted; deleting any 9 consecutive bases within chr2:176,093,083-176,093,099 gives the same sequence; the position shown is the placement nearest the transcript's 3' end. VCF-style (leftmost placement, unchanged base first): chr2-176093082-TGCGGCGGCG-T. GRCh37 (hg19) VCF-style: chr2-176957810-TGCGGCGGCG-T.
Identifiers: ClinVar variation 4740951 (VCV004740951.1).